The following is an entry in ClinVar:

NM_000719.7(CACNA1C):c.3022G>A (p.Ala1008Thr)

Gene: CACNA1C (calcium voltage-gated channel subunit alpha1 C; plus strand). Cytogenetic location: 12p13.33.
Variant type: single nucleotide variant.
Coding change: c.3022G>A on transcript NM_000719.7 (MANE Select); coding-DNA position 3022, G replaced by A.
Protein change: p.Ala1008Thr; replaces alanine 1008 with threonine.
Molecular consequence: missense variant.
Genome position (GRCh38, 1-based): chr12:2,605,142, G>A. VCF-style: chr12-2605142-G-A. GRCh37 (hg19) VCF-style: chr12-2714308-G-A.
Other names: c.3022G>A, p.Ala1008Thr (NM_001129829.2, NM_001129830.3, NM_001129831.2 and 15 more transcripts); c.3082G>A, p.Ala1028Thr (NM_001129832.2, NM_199460.4, NM_001129827.2); c.3013G>A, p.Ala1005Thr (NM_001129844.2); short protein forms A1005T, A1008T, A1028T.
Identifiers: ClinVar variation 4686416 (VCV004686416.2).
Genomic context (GRCh38, chr12:2,605,142, plus strand): 5'-TCCAGTGCAATCAATGTCGTGAAGATCTTGCGAGTCCTGCGAGTACTCAGGCCCCTGAGG[G>A]CCATCAACAGGGCCAAGGGGCTAAAGGTGAGTTGAGGGCTTGGGTAGGGAGTCTCCAGCC-3'
Protein context (NP_000710.5, residues 998-1018): RVLRVLRPLR[Ala1008Thr]INRAKGLKHV

ClinVar aggregate classification (germline): Uncertain significance (1 of 4 stars; one submission).

Submission:

GeneDx
Classification: Uncertain significance. Last evaluated: 2026-07-28. Review status: criteria provided, single submitter. Criteria: GeneDx Variant Classification Process June 2021. Collection method: clinical testing. Allele origin: germline.
Comment: Not observed at significant frequency in large population cohorts (gnomAD); In silico analysis supports that this missense variant has a deleterious effect on protein structure/function; Has not been previously published as pathogenic or benign to our knowledge